The following is an entry in ClinVar:

NM_001324418.2(ADAM22):c.465C>T (p.His155=)

Gene: ADAM22 (ADAM metallopeptidase domain 22; plus strand). Cytogenetic location: 7q21.12.
Variant type: single nucleotide variant.
Coding change: c.465C>T on transcript NM_001324418.2 (MANE Select); coding-DNA position 465, C replaced by T.
Protein change: p.His155=; no amino-acid change (histidine 155 retained).
Molecular consequence: synonymous variant.
Genome position (GRCh38, 1-based): chr7:88,108,250, C>T. VCF-style: chr7-88108250-C-T. GRCh37 (hg19) VCF-style: chr7-87737565-C-T.
Other names: c.462C>T, p.His154= (NM_001324417.2, NM_001324419.2, NM_001391978.1 and 2 more transcripts); c.465C>T, p.His155= (NM_001324420.2, NM_001324421.2, NM_001391976.1 and 6 more transcripts); c.516C>T, p.His172= (NM_001391975.1, NM_001391980.1, NM_001391982.1).
Identifiers: ClinVar variation 5041194 (VCV005041194.1).
Genomic context (GRCh38, chr7:88,108,250, plus strand): 5'-TTACTACCAGGGCCATATCCGAGGAAACCCTGACTCATTTGTTGCATTGTCAACATGCCA[C>T]GGACTTCAGTAAGTGTTCAAAAAGTTATTTTTACTGTTTGTTTTTTCAATAATTTATTTT-3'
Protein context (NP_001311347.1, residues 145-165): PDSFVALSTC[His155=]GLHGMFYDGN

ClinVar aggregate classification (germline): Likely benign (1 of 4 stars; one submission).

gnomAD v4.1: 74 of 1,613,234 alleles (0.0046%); highest among the groups gnomAD compares: Admixed American, 0.06%; no homozygotes.

Submission:

CeGaT Center for Human Genetics Tuebingen
Classification: Likely benign. Last evaluated: 2026-09-01. Review status: criteria provided, single submitter. Criteria: CeGaT Center For Human Genetics Tuebingen Variant Classification Criteria Version 2. Collection method: clinical testing. Allele origin: germline. Affected: yes. Observed: 1 variant allele.
Comment: ADAM22: BP4, BP7